The following is an entry in ClinVar:

NM_001042492.3(NF1):c.2002-4_2010del

Gene: NF1 (neurofibromin 1; plus strand). Cytogenetic location: 17q11.2.
Variant type: Deletion.
Coding change: c.2002-4_2010del on transcript NM_001042492.3 (MANE Select); 4 bases into the intron before coding-DNA position 2002 through coding-DNA position 2010, 13 bases deleted (TCAGGATAGTGCA).
Molecular consequence: splice acceptor variant.
Genome position (GRCh38, 1-based): chr17:31,226,431-31,226,443, TCAGGATAGTGCA deleted. VCF-style (leftmost placement, unchanged base first): chr17-31226430-CTCAGGATAGTGCA-C. GRCh37 (hg19) VCF-style: chr17-29553448-CTCAGGATAGTGCA-C.
Other names: c.2002-4_2010del (NM_000267.4).
Identifiers: ClinVar variation 237529 (VCV000237529.5), dbSNP rs878853871, ClinGen allele CA10583478.

ClinVar aggregate classification (germline): Likely pathogenic (1 of 4 stars; one submission).

Conditions:
Neurofibromatosis, type 1 (NF1). Also called: VON RECKLINGHAUSEN DISEASE; NEUROFIBROMATOSIS, TYPE I, SOMATIC; Peripheral type neurofibromatosis; Neurofibromatosis, type I. Identifiers: Orphanet 636, MedGen C0027831, MONDO:0018975, OMIM 162200. Disease mechanism: loss of function.

Submission:

Labcorp Genetics (formerly Invitae), Labcorp
Classification: Likely pathogenic for Neurofibromatosis, type 1. Last evaluated: 2016-01-01. Review status: criteria provided, single submitter. Criteria: Invitae Variant Classification Sherloc (09022015). Collection method: clinical testing. Allele origin: germline.
Comment: In summary, acceptor splice site variants are typically truncating (PMID: 16199547), and truncating variants in NF1 are known to be pathogenic (PMID: 10712197, 23913538). However, without additional functional and/or genetic data, this variant has been classified as Likely Pathogenic. This variant has not been reported in the literature in individuals with an NF1-related disease. This sequence change deletes 13 nucleotides at the junction between intron 17 and exon 18, including the acceptor splice site. It is expected to disrupt mRNA splicing and predicted to result in an absent or disrupted protein product.

Literature cited by the submitters: PubMed 16199547; PubMed 10712197; PubMed 23913538.